The following is an entry in ClinVar:

ClinVar aggregate classification (germline): Benign/Likely benign. Review status: criteria provided, multiple submitters, no conflicts (2 of 4 stars). 7 submissions from 7 submitters: Benign (3); Likely benign (3). 1 of the submissions does not count toward it. Last evaluated 2026-02-01.

Conditions:
MYH2-related disorder. Also called: MYH2-related condition.
Myopathy, proximal, and ophthalmoplegia (CMYO6). Also called: CONGENITAL MYOPATHY 6 WITH OPHTHALMOPLEGIA; MYOPATHY WITH CONGENITAL JOINT CONTRACTURES, OPHTHALMOPLEGIA, AND RIMMED VACUOLES; INCLUSION BODY MYOPATHY 3, AUTOSOMAL DOMINANT. Identifiers: Orphanet 363677, Orphanet 79091, MedGen C1854106, MONDO:0011577, OMIM 605637.

Allele frequency attached by ClinVar (database versions not stated): ESP Exome Variant Server 0.00008; gnomAD exomes 0.00065 and 0.00202; gnomAD 0.00091 and 0.00110; TOPMed 0.00168; ExAC 0.00178; 1000 Genomes Project 30x 0.00375; 1000 Genomes Project 0.00399.
gnomAD v4.1: 1,187 of 1,613,726 alleles (0.074%); highest among the groups gnomAD compares: East Asian, 0.98%; 9 homozygotes.

Submissions (7):

Labcorp Genetics (formerly Invitae), Labcorp
Classification: Likely benign for Myopathy, proximal, and ophthalmoplegia. Last evaluated: 2026-02-01. Review status: criteria provided, single submitter. Criteria: Invitae Variant Classification Sherloc (09022015). Collection method: clinical testing. Allele origin: germline.

Blueprint Genetics
Classification: Benign. Last evaluated: 2024-11-25. Review status: criteria provided, single submitter. Criteria: ACMG Guidelines, 2015. Collection method: clinical testing. Allele origin: germline.

Fulgent Genetics
Classification: Likely benign for Myopathy, proximal, and ophthalmoplegia. Last evaluated: 2022-01-13. Review status: criteria provided, single submitter. Criteria: ACMG Guidelines, 2015. Collection method: clinical testing. Allele origin: unknown.

Illumina Laboratory Services, Illumina
Classification: Benign for Myopathy, proximal, and ophthalmoplegia. Last evaluated: 2018-01-13. Review status: criteria provided, single submitter. Criteria: ICSL Variant Classification Criteria 13 December 2019. Collection method: clinical testing. Allele origin: germline.
Comment: This variant was observed in the ICSL laboratory as part of a predisposition screen in an ostensibly healthy population. It had not been previously curated by ICSL or reported in the Human Gene Mutation Database (HGMD: prior to June 1st, 2018), and was therefore a candidate for classification through an automated scoring system. Utilizing variant allele frequency, disease prevalence and penetrance estimates, and inheritance mode, an automated score was calculated to assess if this variant is too frequent to cause the disease. Based on the score and internal cut-off values, a variant classified as benign is not then subjected to further curation. The score for this variant resulted in a classification of benign for this disease.

Eurofins Ntd Llc (ga)
Classification: Benign. Last evaluated: 2015-02-13. Review status: criteria provided, single submitter. Criteria: EGL Classification Definitions 2015. Collection method: clinical testing. Allele origin: germline. Observed: 1 variant allele, 1 heterozygote.

Breakthrough Genomics
Classification: Likely benign. Review status: criteria provided, single submitter. Criteria: ACMG Guidelines, 2015. Collection method: not provided. Allele origin: germline. Inheritance: Autosomal dominant inheritance. Affected: yes.

PreventionGenetics, part of Exact Sciences
Classification: Benign for MYH2-related condition. Last evaluated: 2020-02-06. Review status: no assertion criteria provided. Collection method: clinical testing. Allele origin: germline. Not counted in ClinVar's aggregate classification.
Comment: This variant is classified as benign based on ACMG/AMP sequence variant interpretation guidelines (Richards et al. 2015 PMID: 25741868, with internal and published modifications).

NM_017534.6(MYH2):c.3432C>T (p.Asp1144=)

Genes: MYH2 (myosin heavy chain 2; minus strand), MYHAS (myosin heavy chain gene cluster antisense RNA; plus strand). Cytogenetic location: 17p13.1.
Variant type: single nucleotide variant.
Coding change: c.3432C>T on transcript NM_017534.6 (MANE Select); coding-DNA position 3432, C replaced by T.
Protein change: p.Asp1144=; no amino-acid change (aspartic acid 1144 retained).
Molecular consequence: synonymous variant.
Genome position (GRCh38, 1-based): chr17:10,529,002, G>A on the plus strand (C>T on the coding strand, the complement: MYH2 is on the minus strand). VCF-style: chr17-10529002-G-A. GRCh37 (hg19) VCF-style: chr17-10432319-G-A.
Other names: c.3432C>T, p.Asp1144= (NM_001100112.2).
Identifiers: ClinVar variation 196035 (VCV000196035.30), dbSNP rs184725551, ClinGen allele CA202095.
Genomic context (GRCh38, chr17:10,529,002, plus strand): 5'-TGAAGTGGCCCCACCGGCTTCTTCCAGCCTCTCGCTGATCTCCTCCAGCTCCCGGGAGAG[G>A]TCAGAGCGCTGCTTCTCTGCTTTGGCCCGGGAGGCCCGCTCTGCCTCGATTTCCTCCTCC-3'
Protein context (NP_060004.3, residues 1134-1154): SRAKAEKQRS[Asp1144=]LSRELEEISE